The following is an entry in ClinVar:

ClinVar aggregate classification (germline): Uncertain significance (1 of 4 stars; one submission).

Conditions:
Gingival disorder. Also called: Gingival disease. Identifiers: MedGen C0017563, MONDO:0002021.

Allele frequency attached by ClinVar (database versions not stated): TOPMed 0.00003; gnomAD exomes below 0.00001; gnomAD 0.00002.
gnomAD v4.1: 10 of 1,614,064 alleles (0.00062%); highest among the groups gnomAD compares: African/African-American, 0.0067%; no homozygotes.

Submission:

Labcorp Genetics (formerly Invitae), Labcorp
Classification: Uncertain significance for Gingival disorder. Last evaluated: 2026-01-21. Review status: criteria provided, single submitter. Criteria: Invitae Variant Classification Sherloc (09022015). Collection method: clinical testing. Allele origin: germline.
Comment: This sequence change replaces alanine, which is neutral and non-polar, with valine, which is neutral and non-polar, at codon 117 of the FPR1 protein (p.Ala117Val). This variant is present in population databases (no rsID available, gnomAD 0.008%). This variant has not been reported in the literature in individuals affected with FPR1-related conditions. ClinVar contains an entry for this variant (Variation ID: 3023284). An algorithm developed to predict the effect of missense changes on protein structure and function (PolyPhen-2) suggests that this variant is likely to be tolerated. In summary, the available evidence is currently insufficient to determine the role of this variant in disease. Therefore, it has been classified as a Variant of Uncertain Significance.

NM_002029.4(FPR1):c.350C>T (p.Ala117Val)

Gene: FPR1 (formyl peptide receptor 1; minus strand). Cytogenetic location: 19q13.41.
Variant type: single nucleotide variant.
Coding change: c.350C>T on transcript NM_002029.4 (MANE Select); coding-DNA position 350, C replaced by T.
Protein change: p.Ala117Val; replaces alanine 117 with valine.
Molecular consequence: missense variant.
Genome position (GRCh38, 1-based): chr19:51,746,645, G>A on the plus strand (C>T on the coding strand, the complement: FPR1 is on the minus strand). VCF-style: chr19-51746645-G-A. GRCh37 (hg19) VCF-style: chr19-52249898-G-A.
Other names: c.350C>T, p.Ala117Val (NM_001193306.2); short protein forms A117V.
Identifiers: ClinVar variation 3023284 (VCV003023284.3), dbSNP rs1290352179, ClinGen allele CA407119282.